The following is an entry in ClinVar:

ClinVar aggregate classification (germline): Likely benign. Review status: criteria provided, multiple submitters, no conflicts (2 of 4 stars). 3 submissions from 3 submitters: Likely benign (3). Last evaluated 2026-08-01.

Conditions:
Intellectual disability. Also called: Intellectual developmental disorder; Intellectual functioning disability; intellectual disabilities. Identifiers: MedGen C3714756, MeSH D008607, MONDO:0001071, HP:0001249.

Allele frequency attached by ClinVar (database versions not stated): TOPMed 0.00023; ESP Exome Variant Server 0.00039.
gnomAD v4.1: 321 of 1,535,906 alleles (0.021%); highest among the groups gnomAD compares: Non-Finnish European, 0.026%; no homozygotes.

Submissions (3):

CeGaT Center for Human Genetics Tuebingen
Classification: Likely benign. Last evaluated: 2026-08-01. Review status: criteria provided, single submitter. Criteria: CeGaT Center For Human Genetics Tuebingen Variant Classification Criteria Version 2. Collection method: clinical testing. Allele origin: germline. Affected: yes. Observed: 3 variant alleles.
Comment: EBF3: BS2

Women's Health and Genetics/Laboratory Corporation of America, LabCorp
Classification: Likely benign. Last evaluated: 2026-02-13. Review status: criteria provided, single submitter. Criteria: LabCorp Variant Classification Summary - May 2015. Collection method: clinical testing. Allele origin: germline.
Comment: Variant summary: EBF3 c.61G>A (p.Gly21Ser) results in a non-conservative amino acid change in the encoded protein sequence. Algorithms developed to predict the effect of missense changes on protein structure and function are either unavailable or do not agree on the potential impact of this missense change. The variant allele was found at a frequency of 0.00011 in 212448 control chromosomes. This frequency is not significantly higher than estimated for disease-causing variants in EBF3, allowing no conclusion about variant significance. To our knowledge, no occurrence of c.61G>A in individuals affected with EBF3-related conditions and no experimental evidence demonstrating its impact on protein function have been reported. ClinVar contains an entry for this variant (Variation ID: 3025498). Based on the evidence outlined above, the variant was classified as likely benign.

Cambridge Genomics Laboratory, East Genomic Laboratory Hub, NHS Genomic Medicine Service
Classification: Likely benign for Intellectual disability. Last evaluated: 2020-07-27. Review status: criteria provided, single submitter. Criteria: ACGS Best Practice Guidelines for Variant Classification in Rare Disease 2020. Collection method: clinical testing. Allele origin: germline. Affected: yes. Observed: 1 variant allele.

NM_001375380.1(EBF3):c.61G>A (p.Gly21Ser)

Gene: EBF3 (EBF transcription factor 3; minus strand). Cytogenetic location: 10q26.3.
Variant type: single nucleotide variant.
Coding change: c.61G>A on transcript NM_001375380.1 (MANE Select); coding-DNA position 61, G replaced by A.
Protein change: p.Gly21Ser; replaces glycine 21 with serine.
Molecular consequence: missense variant.
Genome position (GRCh38, 1-based): chr10:129,963,708, C>T on the plus strand (G>A on the coding strand, the complement: EBF3 is on the minus strand). VCF-style: chr10-129963708-C-T. GRCh37 (hg19) VCF-style: chr10-131761972-C-T.
Other names: c.61G>A, p.Gly21Ser (NM_001005463.3, NM_001375379.1, NM_001375389.1 and 3 more transcripts); short protein forms G21S.
Identifiers: ClinVar variation 3025498 (VCV003025498.24), dbSNP rs150909132, ClinGen allele CA5748893.
Genomic context (GRCh38, chr10:129,963,708, plus strand): 5'-TGTTGGCGTCCACCACGCCCGCCGTGTGCATCCACGAGCGCACCGGGTTCATGCCGCTGC[C>T]CAGCGGCTCCTCCTTCATGGTCGTCCCCCCGCGCGGAATATTCTCCTGAATCCCAAACAT-3'
Protein context (NP_001362309.1, residues 11-31): GGTTMKEEPL[Gly21Ser]SGMNPVRSWM